The following is an entry in ClinVar:

ClinVar aggregate classification (germline): Uncertain significance (1 of 4 stars; one submission).

Conditions:
Cardiovascular phenotype. Identifiers: MedGen CN230736.

Submission:

Ambry Genetics
Classification: Uncertain significance for Cardiovascular phenotype. Last evaluated: 2025-05-17. Review status: criteria provided, single submitter. Criteria: Ambry Variant Classification Scheme 2023. Collection method: clinical testing. Allele origin: germline.
Comment: The p.A902S variant (also known as c.2704G>T), located in coding exon 16 of the CBL gene, results from a G to T substitution at nucleotide position 2704. The alanine at codon 902 is replaced by serine, an amino acid with similar properties. This amino acid position is conserved. In addition, the in silico prediction for this alteration is inconclusive. Based on the available evidence, the clinical significance of this variant remains unclear.

NM_005188.4(CBL):c.2704G>T (p.Ala902Ser)

Gene: CBL (Cbl proto-oncogene; plus strand). Cytogenetic location: 11q23.3.
Variant type: single nucleotide variant.
Coding change: c.2704G>T on transcript NM_005188.4 (MANE Select); coding-DNA position 2704, G replaced by T.
Protein change: p.Ala902Ser; replaces alanine 902 with serine.
Molecular consequence: missense variant.
Genome position (GRCh38, 1-based): chr11:119,299,764, G>T. VCF-style: chr11-119299764-G-T. GRCh37 (hg19) VCF-style: chr11-119170474-G-T.
Other names: short protein forms A902S.
Identifiers: ClinVar variation 3996054 (VCV003996054.1).